The following is an entry in ClinVar:

ClinVar aggregate classification (germline): Uncertain significance. Review status: criteria provided, multiple submitters, no conflicts (2 of 4 stars). 2 submissions from 2 submitters: Uncertain significance (2). Last evaluated 2024-10-29.

Conditions:
Cardiovascular phenotype. Identifiers: MedGen CN230736.
Hereditary cancer-predisposing syndrome. Also called: Tumor predisposition; Hereditary Cancer Syndrome; Neoplastic Syndromes, Hereditary; Hereditary neoplastic syndrome. Identifiers: Orphanet 140162, MedGen C0027672, MeSH D009386, MONDO:0015356.
Neurofibromatosis, type 1 (NF1). Also called: NEUROFIBROMATOSIS, TYPE I, SOMATIC; Peripheral type neurofibromatosis; Neurofibromatosis, type I; VON RECKLINGHAUSEN DISEASE. Identifiers: Orphanet 636, MedGen C0027831, MONDO:0018975, OMIM 162200. Disease mechanism: loss of function.

gnomAD v4.1: 2 of 1,613,714 alleles (0.00012%); highest among the groups gnomAD compares: South Asian, 0.0011%; no homozygotes.

Submissions (2):

Ambry Genetics
Classification: Uncertain significance for Cardiovascular phenotype; Hereditary cancer-predisposing syndrome. Last evaluated: 2024-10-29. Review status: criteria provided, single submitter. Criteria: Ambry Variant Classification Scheme 2023. Collection method: clinical testing. Allele origin: germline.
Comment: The p.Y2556D variant (also known as c.7666T>G), located in coding exon 51 of the NF1 gene, results from a T to G substitution at nucleotide position 7666. The tyrosine at codon 2556 is replaced by aspartic acid, an amino acid with highly dissimilar properties. This amino acid position is conserved. In addition, the in silico prediction for this alteration is inconclusive. Based on the available evidence, the clinical significance of this variant remains unclear.

Labcorp Genetics (formerly Invitae), Labcorp
Classification: Uncertain significance for Neurofibromatosis, type 1. Last evaluated: 2024-04-15. Review status: criteria provided, single submitter. Criteria: Invitae Variant Classification Sherloc (09022015). Collection method: clinical testing. Allele origin: germline.
Comment: This sequence change replaces tyrosine, which is neutral and polar, with aspartic acid, which is acidic and polar, at codon 2556 of the NF1 protein (p.Tyr2556Asp). This variant is not present in population databases (gnomAD no frequency). This variant has not been reported in the literature in individuals affected with NF1-related conditions. Advanced modeling of protein sequence and biophysical properties (such as structural, functional, and spatial information, amino acid conservation, physicochemical variation, residue mobility, and thermodynamic stability) performed at Invitae indicates that this missense variant is not expected to disrupt NF1 protein function with a negative predictive value of 95%. In summary, the available evidence is currently insufficient to determine the role of this variant in disease. Therefore, it has been classified as a Variant of Uncertain Significance.

NM_001042492.3(NF1):c.7729T>G (p.Tyr2577Asp)

Gene: NF1 (neurofibromin 1; plus strand). Cytogenetic location: 17q11.2.
Variant type: single nucleotide variant.
Coding change: c.7729T>G on transcript NM_001042492.3 (MANE Select); coding-DNA position 7729, T replaced by G.
Protein change: p.Tyr2577Asp; replaces tyrosine 2577 with aspartic acid.
Molecular consequence: missense variant.
Genome position (GRCh38, 1-based): chr17:31,356,573, T>G. VCF-style: chr17-31356573-T-G. GRCh37 (hg19) VCF-style: chr17-29683591-T-G.
Other names: c.7666T>G, p.Tyr2556Asp (NM_000267.4); short protein forms Y2556D, Y2577D.
Identifiers: ClinVar variation 2960219 (VCV002960219.4), dbSNP rs778143477, ClinGen allele CA399018226.